The following is an entry in ClinVar:

ClinVar aggregate classification (germline): Conflicting classifications of pathogenicity. Review status: criteria provided, conflicting classifications (1 of 4 stars). 2 submissions from 2 submitters: Likely pathogenic (1); Uncertain significance (1). Last evaluated 2023-08-14.

Conditions:
Osteogenesis imperfecta type 15. Also called: OI, TYPE XV; WNT1-related osteogenesis imperfecta; Osteogenesis imperfecta, type xv. Identifiers: Orphanet 666, MedGen C3808844, MONDO:0014086, OMIM 615220.

Allele frequency attached by ClinVar (database versions not stated): TOPMed below 0.00001; gnomAD 0.00001.
gnomAD v4.1: 1 of 1,613,238 alleles (0.000062%); highest among the groups gnomAD compares: African/African-American, 0.0013%; no homozygotes.

Submissions (2):

Labcorp Genetics (formerly Invitae), Labcorp
Classification: Uncertain significance. Last evaluated: 2023-08-14. Review status: criteria provided, single submitter. Criteria: Invitae Variant Classification Sherloc (09022015). Collection method: clinical testing. Allele origin: germline.
Comment: This sequence change replaces glutamine, which is neutral and polar, with arginine, which is basic and polar, at codon 96 of the WNT1 protein (p.Gln96Arg). This variant is not present in population databases (gnomAD no frequency). This variant has not been reported in the literature in individuals affected with WNT1-related conditions. Advanced modeling of protein sequence and biophysical properties (such as structural, functional, and spatial information, amino acid conservation, physicochemical variation, residue mobility, and thermodynamic stability) has been performed at Invitae for this missense variant, however the output from this modeling did not meet the statistical confidence thresholds required to predict the impact of this variant on WNT1 protein function. In summary, the available evidence is currently insufficient to determine the role of this variant in disease. Therefore, it has been classified as a Variant of Uncertain Significance.

Clinical Biomedical Laboratory, Shriners Hospital For Children - Canada
Classification: Likely pathogenic for Osteogenesis imperfecta type 15. Review status: criteria provided, single submitter. Criteria: ACMG Guidelines, 2015. Collection method: clinical testing. Allele origin: germline. Affected: yes.
Comment: This variant is not listed in the Genome Aggregation Database, v2.1.1, indicating it is rare. Computational tools (SIFT = 0, damaging; Polyphen-2 = 1.0, detrimental; PhyloP = 6.01 conserved) suggest that the amino acid is conserved and that the change is detrimental to protein function. Based on the ACMG variant interpretation guidelines, the available evidence supports classification of this variant as likely pathogenic.

NM_005430.4(WNT1):c.287A>G (p.Gln96Arg)

Gene: WNT1 (Wnt family member 1; plus strand). Cytogenetic location: 12q13.12.
Variant type: single nucleotide variant.
Coding change: c.287A>G on transcript NM_005430.4 (MANE Select); coding-DNA position 287, A replaced by G.
Protein change: p.Gln96Arg; replaces glutamine 96 with arginine.
Molecular consequence: missense variant.
Genome position (GRCh38, 1-based): chr12:48,979,650, A>G. VCF-style: chr12-48979650-A-G. GRCh37 (hg19) VCF-style: chr12-49373433-A-G.
Other names: short protein forms Q96R.
Identifiers: ClinVar variation 2795475 (VCV002795475.4), dbSNP rs1184593586, ClinGen allele CA384628154.